The following is an entry in ClinVar:

ClinVar aggregate classification (germline): Uncertain significance (1 of 4 stars; one submission).

Allele frequency attached by ClinVar (database versions not stated): TOPMed below 0.00001.

Submission:

Labcorp Genetics (formerly Invitae), Labcorp
Classification: Uncertain significance. Last evaluated: 2022-09-13. Review status: criteria provided, single submitter. Criteria: Invitae Variant Classification Sherloc (09022015). Collection method: clinical testing. Allele origin: germline.
Comment: This sequence change falls in intron 8 of the RARS2 gene. It does not directly change the encoded amino acid sequence of the RARS2 protein. This variant is not present in population databases (gnomAD no frequency). This variant has not been reported in the literature in individuals affected with RARS2-related conditions. Algorithms developed to predict the effect of sequence changes on RNA splicing suggest that this variant may disrupt the consensus splice site. In summary, the available evidence is currently insufficient to determine the role of this variant in disease. Therefore, it has been classified as a Variant of Uncertain Significance.

NM_020320.5(RARS2):c.613-7C>G

Gene: RARS2 (arginyl-tRNA synthetase 2, mitochondrial; minus strand). Cytogenetic location: 6q15.
Variant type: single nucleotide variant.
Coding change: c.613-7C>G on transcript NM_020320.5 (MANE Select); 7 bases into the intron before coding-DNA position 613, C replaced by G.
Molecular consequence: intron variant.
Genome position (GRCh38, 1-based): chr6:87,530,949, G>C on the plus strand (C>G on the coding strand, the complement: RARS2 is on the minus strand). VCF-style: chr6-87530949-G-C. GRCh37 (hg19) VCF-style: chr6-88240667-G-C.
Other names: c.613-7C>G (NM_001350505.2); c.88-7C>G (NM_001350509.2, NM_001318785.2, NM_001350506.2 and 4 more transcripts).
Identifiers: ClinVar variation 2133636 (VCV002133636.1), dbSNP rs1777330883, ClinGen allele CA1644581544.